The following is an entry in ClinVar:

ClinVar aggregate classification (germline): Uncertain significance. Review status: criteria provided, multiple submitters, no conflicts (2 of 4 stars). 2 submissions from 2 submitters: Uncertain significance (2). Last evaluated 2024-09-19.

Conditions:
Cardiovascular phenotype. Identifiers: MedGen CN230736.
Primary dilated cardiomyopathy (DCM). Also called: Dilated Cardiomyopathy. Identifiers: Orphanet 217604, MedGen C0007193, MeSH D002311, MONDO:0005021, HP:0001644. Inheritance: Various modes of inheritance.

Submissions (2):

Labcorp Genetics (formerly Invitae), Labcorp
Classification: Uncertain significance for Primary dilated cardiomyopathy. Last evaluated: 2024-09-19. Review status: criteria provided, single submitter. Criteria: Invitae Variant Classification Sherloc (09022015). Collection method: clinical testing. Allele origin: germline.
Comment: This sequence change replaces valine, which is neutral and non-polar, with methionine, which is neutral and non-polar, at codon 89 of the TXNRD2 protein (p.Val89Met). The frequency data for this variant in the population databases is considered unreliable, as metrics indicate poor data quality at this position in the gnomAD database. This variant has not been reported in the literature in individuals affected with TXNRD2-related conditions. Invitae Evidence Modeling of protein sequence and biophysical properties (such as structural, functional, and spatial information, amino acid conservation, physicochemical variation, residue mobility, and thermodynamic stability) indicates that this missense variant is expected to disrupt TXNRD2 protein function with a positive predictive value of 80%. In summary, the available evidence is currently insufficient to determine the role of this variant in disease. Therefore, it has been classified as a Variant of Uncertain Significance.

Ambry Genetics
Classification: Uncertain significance for Cardiovascular phenotype. Last evaluated: 2024-06-17. Review status: criteria provided, single submitter. Criteria: Ambry Variant Classification Scheme 2023. Collection method: clinical testing. Allele origin: germline.
Comment: The p.V89M variant (also known as c.265G>A), located in coding exon 4 of the TXNRD2 gene, results from a G to A substitution at nucleotide position 265. The valine at codon 89 is replaced by methionine, an amino acid with highly similar properties. This amino acid position is conserved. In addition, the in silico prediction for this alteration is inconclusive. Based on the available evidence, the clinical significance of this variant remains unclear.

NM_006440.5(TXNRD2):c.265G>A (p.Val89Met)

Gene: TXNRD2 (thioredoxin reductase 2; minus strand). Cytogenetic location: 22q11.21.
Variant type: single nucleotide variant.
Coding change: c.265G>A on transcript NM_006440.5 (MANE Select); coding-DNA position 265, G replaced by A.
Protein change: p.Val89Met; replaces valine 89 with methionine.
Molecular consequence: missense variant. On other transcripts: non-coding transcript variant (1), 5 prime UTR variant (1).
Genome position (GRCh38, 1-based): chr22:19,918,969, C>T on the plus strand (G>A on the coding strand, the complement: TXNRD2 is on the minus strand). VCF-style: chr22-19918969-C-T. GRCh37 (hg19) VCF-style: chr22-19906492-C-T.
Other names: c.265G>A, p.Val89Met (NM_001282512.3); c.262G>A, p.Val88Met (NM_001352300.2); c.175G>A, p.Val59Met (NM_001352301.2); c.-24G>A (NM_001352302.2); c.169G>A, p.Val57Met (NM_001352303.2); short protein forms V57M, V89M, V59M, V88M.
Identifiers: ClinVar variation 3330408 (VCV003330408.3).
Genomic context (GRCh38, chr22:19,918,969, plus strand): 5'-CTTGGATCAGGCCTCCCAGCAGTGCCGCCTGGTGCATCAGCTTCTTGGGGATGCAGCCCA[C>T]GTTGACGCAGGTGCCGCCGAGGCCCCACCGGGTGCCTGGGACGTGGGAAGAGCACATTTG-3'
Protein context (NP_006431.2, residues 79-99): RWGLGGTCVN[Val89Met]GCIPKKLMHQ